The following is an entry in ClinVar:

ClinVar aggregate classification (germline): Conflicting classifications of pathogenicity. Review status: criteria provided, conflicting classifications (1 of 4 stars). 7 submissions from 7 submitters: Uncertain significance (1); Likely benign (6). Last evaluated 2025-11-06.

Conditions:
Hereditary cancer-predisposing syndrome. Also called: Neoplastic Syndromes, Hereditary; Hereditary neoplastic syndrome; Tumor predisposition; Hereditary Cancer Syndrome. Identifiers: Orphanet 140162, MedGen C0027672, MeSH D009386, MONDO:0015356.
Breast-ovarian cancer, familial, susceptibility to, 2 (BROVCA2). Also called: BRCA2 Hereditary Breast and Ovarian Cancer. Identifiers: Orphanet 145, MedGen C2675520, MONDO:0012933, OMIM 612555. Disease mechanism: loss of function.
Hereditary breast ovarian cancer syndrome. Also called: Hereditary breast and ovarian cancer; Breast and ovarian cancer; BRCA1- and BRCA2-Associated Hereditary Breast and Ovarian Cancer; Hereditary breast and ovarian cancer syndrome (HBOC); Hereditary breast and/or ovarian cancer syndrome; Hereditary breast and ovarian cancer syndrome. Identifiers: Orphanet 145, MedGen C0677776, MeSH D061325, MONDO:0003582. Disease mechanism: loss of function.

Submissions (7):

Quest Diagnostics Nichols Institute San Juan Capistrano
Classification: Uncertain significance. Last evaluated: 2025-11-06. Review status: criteria provided, single submitter. Criteria: Quest Diagnostics criteria. Collection method: clinical testing. Allele origin: unknown.
Comment: The BRCA2 c.3513A>G (p.Pro1171=) synonymous variant has been reported in the published literature in at least one individual with prostate cancer (PMID: 31214711 (2020)). An experimental study indicated that this variant has a damaging effect on protein function using a CRISPR-Cas9 genome editing screening assay (PMID: 33691754 (2021)). This variant has not been reported in large, multi-ethnic general populations (Genome Aggregation Database). Analysis of this variant using software algorithms for the prediction of the effect of nucleotide changes on splicing yielded predictions that this variant does not affect BRCA2 mRNA splicing. Based on the available information, we are unable to determine the clinical significance of this variant.

Labcorp Genetics (formerly Invitae), Labcorp
Classification: Likely benign for Hereditary breast ovarian cancer syndrome. Last evaluated: 2025-09-10. Review status: criteria provided, single submitter. Criteria: Invitae Variant Classification Sherloc (09022015). Collection method: clinical testing. Allele origin: germline.

All of Us Research Program, National Institutes of Health
Classification: Likely benign for Breast-ovarian cancer, familial, susceptibility to, 2. Last evaluated: 2023-12-01. Review status: criteria provided, single submitter. Criteria: ACMG Guidelines, 2015. Collection method: clinical testing. Allele origin: germline. Inheritance: Autosomal dominant inheritance. Observed: 2 variant alleles, 2 heterozygotes.
Comment: This study involves interpretation of variants in research participants for the purpose of population health screening. Participant phenotype was not available at the time of variant classification. Additional details can be found in publication PMID: 35346344, PMCID: PMC8962531

Women's Health and Genetics/Laboratory Corporation of America, LabCorp
Classification: Likely benign. Last evaluated: 2023-01-22. Review status: criteria provided, single submitter. Criteria: LabCorp Variant Classification Summary - May 2015. Collection method: clinical testing. Allele origin: germline.

Ambry Genetics
Classification: Likely benign for Hereditary cancer-predisposing syndrome. Last evaluated: 2019-03-20. Review status: criteria provided, single submitter. Criteria: Ambry Variant Classification Scheme 2023. Collection method: clinical testing. Allele origin: germline.

Color Diagnostics, LLC DBA Color Health
Classification: Likely benign for Hereditary cancer-predisposing syndrome. Last evaluated: 2017-03-30. Review status: criteria provided, single submitter. Criteria: ACMG Guidelines, 2015. Collection method: clinical testing. Allele origin: germline.

GeneDx
Classification: Likely benign. Last evaluated: 2016-02-22. Review status: criteria provided, single submitter. Criteria: GeneDx Variant Classification (06012015). Collection method: clinical testing. Allele origin: germline. Affected: yes.
Comment: This variant is considered likely benign or benign based on one or more of the following criteria: it is a conservative change, it occurs at a poorly conserved position in the protein, it is predicted to be benign by multiple in silico algorithms, and/or has population frequency not consistent with disease.

Literature cited by the submitters: PubMed 31214711 (cited by Quest Diagnostics Nichols Institute San Juan Capistrano); PubMed 30702160 (cited by Quest Diagnostics Nichols Institute San Juan Capistrano); PubMed 33691754 (cited by Quest Diagnostics Nichols Institute San Juan Capistrano).

NM_000059.4(BRCA2):c.3513A>G (p.Pro1171=)

Gene: BRCA2 (BRCA2 DNA repair associated; plus strand). Cytogenetic location: 13q13.1.
Variant type: single nucleotide variant.
Coding change: c.3513A>G on transcript NM_000059.4 (MANE Select); coding-DNA position 3513, A replaced by G.
Protein change: p.Pro1171=; no amino-acid change (proline 1171 retained).
Molecular consequence: synonymous variant.
Genome position (GRCh38, 1-based): chr13:32,337,868, A>G. VCF-style: chr13-32337868-A-G. GRCh37 (hg19) VCF-style: chr13-32912005-A-G.
Identifiers: ClinVar variation 384126 (VCV000384126.23), dbSNP rs1057521874, ClinGen allele CA16606673.